The following is an entry in ClinVar:

ClinVar aggregate classification (germline): Pathogenic (1 of 4 stars; one submission).

Submissions (2):

Labcorp Genetics (formerly Invitae), Labcorp
Classification: Pathogenic. Last evaluated: 2022-09-24. Review status: criteria provided, single submitter. Criteria: Invitae Variant Classification Sherloc (09022015). Collection method: clinical testing. Allele origin: germline.
Comment: ClinVar contains an entry for this variant (Variation ID: 1324397). This sequence change replaces alanine, which is neutral and non-polar, with threonine, which is neutral and polar, at codon 308 of the FH protein (p.Ala308Thr). This variant is not present in population databases (gnomAD no frequency). This missense change has been observed in individual(s) with autosomal recessive fumarate hydratase deficiency (PMID: 9635293). This variant is also known as A265T. Advanced modeling of protein sequence and biophysical properties (such as structural, functional, and spatial information, amino acid conservation, physicochemical variation, residue mobility, and thermodynamic stability) performed at Invitae indicates that this missense variant is expected to disrupt FH protein function. Experimental studies have shown that this missense change affects FH function (PMID: 29456767). This variant disrupts the p.Ala308 amino acid residue in FH. Other variant(s) that disrupt this residue have been determined to be pathogenic (Invitae). This suggests that this residue is clinically significant, and that variants that disrupt this residue are likely to be disease-causing. For these reasons, this variant has been classified as Pathogenic.

Blake Wilde Laboratory, Roswell Park Comprehensive Cancer Center
No classification provided (evidence only). Condition: Hereditary leiomyomatosis and renal cell cancer. Review status: no classification provided. Collection method: in vitro. Allele origin: not applicable. Functional consequence: decreased enzyme activity. Not counted in ClinVar's aggregate classification.

Literature cited by the submitters: PubMed 9635293 (cited by Labcorp Genetics (formerly Invitae), Labcorp); PubMed 29456767 (cited by Labcorp Genetics (formerly Invitae), Labcorp).

NM_000143.4(FH):c.922G>A (p.Ala308Thr)

Gene: FH (fumarate hydratase; minus strand). Cytogenetic location: 1q43.
Variant type: single nucleotide variant.
Coding change: c.922G>A on transcript NM_000143.4 (MANE Select); coding-DNA position 922, G replaced by A.
Protein change: p.Ala308Thr; replaces alanine 308 with threonine.
Molecular consequence: missense variant.
Genome position (GRCh38, 1-based): chr1:241,504,228, C>T on the plus strand (G>A on the coding strand, the complement: FH is on the minus strand). VCF-style: chr1-241504228-C-T. GRCh37 (hg19) VCF-style: chr1-241667528-C-T.
Other names: short protein forms A308T.
Identifiers: ClinVar variation 1324397 (VCV001324397.6), dbSNP rs121913118, ClinGen allele CA40327917.